The following is an entry in ClinVar:

ClinVar aggregate classification (germline): Likely benign (1 of 4 stars; one submission).

Submission:

CeGaT Center for Human Genetics Tuebingen
Classification: Likely benign. Last evaluated: 2023-04-01. Review status: criteria provided, single submitter. Criteria: CeGaT Center For Human Genetics Tuebingen Variant Classification Criteria Version 2. Collection method: clinical testing. Allele origin: germline. Affected: yes. Observed: 1 variant allele.
Comment: ADGRG4: PM2:Supporting, BP4, BP7

NM_153834.4(ADGRG4):c.1854C>T (p.His618=)

Gene: ADGRG4 (adhesion G protein-coupled receptor G4; plus strand). Cytogenetic location: Xq26.3.
Variant type: single nucleotide variant.
Coding change: c.1854C>T on transcript NM_153834.4 (MANE Select); coding-DNA position 1854, C replaced by T.
Protein change: p.His618=; no amino-acid change (histidine 618 retained).
Molecular consequence: synonymous variant.
Genome position (GRCh38, 1-based): chrX:136,345,560, C>T. VCF-style: chrX-136345560-C-T. GRCh37 (hg19) VCF-style: chrX-135427719-C-T.
Identifiers: ClinVar variation 2661509 (VCV002661509.24), dbSNP rs2521689328, ClinGen allele CA518838590.